The following is an entry in ClinVar:

ClinVar aggregate classification (germline): Uncertain significance. Review status: criteria provided, multiple submitters, no conflicts (2 of 4 stars). 2 submissions from 2 submitters: Uncertain significance (2). Last evaluated 2023-04-07.

Conditions:
Inborn genetic diseases. Identifiers: MedGen C0950123, MeSH D030342.

Allele frequency attached by ClinVar (database versions not stated): gnomAD exomes 0.00002.
gnomAD v4.1: 17 of 979,254 alleles (0.0017%); highest among the groups gnomAD compares: South Asian, 0.055%; no homozygotes.

Submissions (2):

Ambry Genetics
Classification: Uncertain significance for Inborn genetic diseases. Last evaluated: 2023-04-07. Review status: criteria provided, single submitter. Criteria: Ambry Variant Classification Scheme 2023. Collection method: clinical testing. Allele origin: germline.

Labcorp Genetics (formerly Invitae), Labcorp
Classification: Uncertain significance. Last evaluated: 2022-05-25. Review status: criteria provided, single submitter. Criteria: Invitae Variant Classification Sherloc (09022015). Collection method: clinical testing. Allele origin: germline.
Comment: The frequency data for this variant in the population databases is considered unreliable, as metrics indicate insufficient coverage at this position in the gnomAD database. This sequence change replaces proline, which is neutral and non-polar, with leucine, which is neutral and non-polar, at codon 2 of the KIAA1549 protein (p.Pro2Leu). In summary, the available evidence is currently insufficient to determine the role of this variant in disease. Therefore, it has been classified as a Variant of Uncertain Significance. Algorithms developed to predict the effect of missense changes on protein structure and function output the following: SIFT: "Deleterious"; PolyPhen-2: "Possibly Damaging"; Align-GVGD: "Class C0". The leucine amino acid residue is found in multiple mammalian species, which suggests that this missense change does not adversely affect protein function. This variant has not been reported in the literature in individuals affected with KIAA1549-related conditions.

NM_001164665.2(KIAA1549):c.5C>T (p.Pro2Leu)

Gene: KIAA1549 (KIAA1549; minus strand). Cytogenetic location: 7q34.
Variant type: single nucleotide variant.
Coding change: c.5C>T on transcript NM_001164665.2 (MANE Select); coding-DNA position 5, C replaced by T.
Protein change: p.Pro2Leu; replaces proline 2 with leucine.
Molecular consequence: missense variant.
Genome position (GRCh38, 1-based): chr7:138,981,265, G>A on the plus strand (C>T on the coding strand, the complement: KIAA1549 is on the minus strand). VCF-style: chr7-138981265-G-A. GRCh37 (hg19) VCF-style: chr7-138666011-G-A.
Other names: c.5C>T, p.Pro2Leu (NM_020910.3); c.5C>T (NM_001164665.1); short protein forms P2L.
Identifiers: ClinVar variation 1910841 (VCV001910841.5), dbSNP rs1259506725, ClinGen allele CA369382866.